The following is an entry in ClinVar:

ClinVar aggregate classification (germline): Likely pathogenic (1 of 4 stars; one submission).

Conditions:
Polymicrogyria, perisylvian, with cerebellar hypoplasia and arthrogryposis (NEDSPLB). Identifiers: MedGen C4225295, MONDO:0014679, OMIM 616531.
Gastrointestinal defects and immunodeficiency syndrome 2 (GIDID2). Also called: MULTIPLE INTESTINAL ATRESIA WITH OR WITHOUT LEUKOPENIA. Identifiers: MedGen C5676901, MONDO:0030669, OMIM 619708.
Spastic paraplegia 84, autosomal recessive (SPG84). Identifiers: Orphanet 631079, MedGen C5562025, MONDO:0030482, OMIM 619621.

Submission:

Juno Genomics, Hangzhou Juno Genomics, Inc
Classification: Likely pathogenic for Spastic paraplegia 84, autosomal recessive; Gastrointestinal defects and immunodeficiency syndrome 2; Polymicrogyria, perisylvian, with cerebellar hypoplasia and arthrogryposis. Review status: criteria provided, single submitter. Criteria: ACMG Guidelines, 2015. Collection method: clinical testing. Allele origin: germline. Affected: yes.
Comment: Absent from controls (or at extremely low frequency if recessive) in Genome Aggregation Database.;Null variant in a gene where loss of function (LOF) is a known mechanism of disease.

NM_058004.4(PI4KA):c.6189dup (p.Asn2064fs)

Gene: PI4KA (phosphatidylinositol 4-kinase alpha; minus strand). Cytogenetic location: 22q11.21.
Variant type: Duplication.
Coding change: c.6189dup on transcript NM_058004.4 (MANE Select); coding-DNA position 6189, one base duplicated (C; older notation c.6189dupC).
Protein change: p.Asn2064fs; shifts the reading frame from asparagine 2064.
Molecular consequence: frameshift variant.
Genome position (GRCh38, 1-based): chr22:20,709,364, G duplicated on the plus strand (C on the coding strand, the reverse complement: PI4KA is on the minus strand); the first of 4 consecutive G bases (chr22:20,709,364-20,709,367); duplicating any one gives the same sequence. VCF-style (leftmost placement, unchanged base first): chr22-20709363-T-TG. GRCh37 (hg19) VCF-style: chr22-21063651-T-TG.
Other names: c.6096dup, p.Asn2033fs (NM_001362862.2); c.6123dup, p.Asn2042fs (NM_001362863.2); short protein forms N2033fs, N2042fs, N2064fs.
Identifiers: ClinVar variation 5018610 (VCV005018610.1).